The following is an entry in ClinVar:

NM_000540.3(RYR1):c.13628G>T (p.Gly4543Val)

Gene: RYR1 (ryanodine receptor 1; plus strand). Cytogenetic location: 19q13.2.
Variant type: single nucleotide variant.
Coding change: c.13628G>T on transcript NM_000540.3 (MANE Select); coding-DNA position 13628, G replaced by T.
Protein change: p.Gly4543Val; replaces glycine 4543 with valine.
Molecular consequence: missense variant.
Genome position (GRCh38, 1-based): chr19:38,567,886, G>T. VCF-style: chr19-38567886-G-T. GRCh37 (hg19) VCF-style: chr19-39058526-G-T.
Other names: c.13613G>T, p.Gly4538Val (NM_001042723.2); short protein forms G4538V, G4543V.
Identifiers: ClinVar variation 4756151 (VCV004756151.1).

ClinVar aggregate classification (germline): Uncertain significance (1 of 4 stars; one submission).

Conditions:
Malignant hyperthermia, susceptibility to, 1 (MHS1). Also called: RYR1-Related Malignant Hyperthermia Susceptibility; Malignant hyperthermia suceptibility 1; Anesthesia related hyperthermia; Malignant hyperpyrexia; Fulminating hyperpyrexia; Pharmacogenic myopathy. Identifiers: Orphanet 423, MedGen C2930980, MONDO:0007783, OMIM 145600.

gnomAD v4.1: 3 of 1,613,874 alleles (0.00019%); highest among the groups gnomAD compares: Admixed American, 0.0033%; no homozygotes.

Submission:

Color Diagnostics, LLC DBA Color Health
Classification: Uncertain significance for Malignant hyperthermia, susceptibility to, 1. Last evaluated: 2025-08-17. Review status: criteria provided, single submitter. Criteria: ACMG Guidelines, 2015. Collection method: clinical testing. Allele origin: germline.
Comment: This missense variant replaces glycine with valine at codon 4543 of the RYR1 protein. Computational prediction is inconclusive regarding the impact of this variant on protein structure and function. To our knowledge, functional studies have not been reported for this variant. This variant has not been reported in individuals affected with RYR1-related disorders in the literature. This variant has been identified in 2/248882 chromosomes in the general population by the Genome Aggregation Database (gnomAD). The available evidence is insufficient to determine the role of this variant in disease conclusively. Therefore, this variant is classified as a Variant of Uncertain Significance.